The following is an entry in ClinVar:

NM_005876.5(SPEG):c.941C>T (p.Pro314Leu)

Gene: SPEG (striated muscle enriched protein kinase; plus strand). Cytogenetic location: 2q35.
Variant type: single nucleotide variant.
Coding change: c.941C>T on transcript NM_005876.5 (MANE Select); coding-DNA position 941, C replaced by T.
Protein change: p.Pro314Leu; replaces proline 314 with leucine.
Molecular consequence: missense variant.
Genome position (GRCh38, 1-based): chr2:219,448,099, C>T. VCF-style: chr2-219448099-C-T. GRCh37 (hg19) VCF-style: chr2-220312821-C-T.
Other names: short protein forms P314L.
Identifiers: ClinVar variation 1355863 (VCV001355863.3), dbSNP rs1307290535, ClinGen allele CA350716402.

ClinVar aggregate classification (germline): Uncertain significance (1 of 4 stars; one submission).

Allele frequency attached by ClinVar (database versions not stated): gnomAD exomes below 0.00001 and 0.00001; gnomAD 0.00001; TOPMed 0.00001.
gnomAD v4.1: 8 of 1,604,614 alleles (0.0005%); highest among the groups gnomAD compares: Non-Finnish European, 0.00068%; no homozygotes.

Submission:

Labcorp Genetics (formerly Invitae), Labcorp
Classification: Uncertain significance. Last evaluated: 2022-09-01. Review status: criteria provided, single submitter. Criteria: Invitae Variant Classification Sherloc (09022015). Collection method: clinical testing. Allele origin: germline.
Comment: This sequence change replaces proline, which is neutral and non-polar, with leucine, which is neutral and non-polar, at codon 314 of the SPEG protein (p.Pro314Leu). This variant is present in population databases (no rsID available, gnomAD 0.001%). This variant has not been reported in the literature in individuals affected with SPEG-related conditions. ClinVar contains an entry for this variant (Variation ID: 1355863). Algorithms developed to predict the effect of missense changes on protein structure and function are either unavailable or do not agree on the potential impact of this missense change (SIFT: "Deleterious"; PolyPhen-2: "Benign"; Align-GVGD: "Class C0"). In summary, the available evidence is currently insufficient to determine the role of this variant in disease. Therefore, it has been classified as a Variant of Uncertain Significance.